The following is an entry in ClinVar:

ClinVar aggregate classification (germline): Uncertain significance (1 of 4 stars; one submission).

Conditions:
Inborn genetic diseases. Identifiers: MedGen C0950123, MeSH D030342.

Submission:

Ambry Genetics
Classification: Uncertain significance for Inborn genetic diseases. Last evaluated: 2025-02-25. Review status: criteria provided, single submitter. Criteria: Ambry Variant Classification Scheme 2023. Collection method: clinical testing. Allele origin: germline.
Comment: The p.Q215L variant (also known as c.644A>T), located in coding exon 1 of the CEBPA gene, results from an A to T substitution at nucleotide position 644. The glutamine at codon 215 is replaced by leucine, an amino acid with dissimilar properties. This amino acid position is conserved. In addition, this alteration is predicted to be tolerated by in silico analysis. Based on the available evidence, the clinical significance of this variant remains unclear.

NM_004364.5(CEBPA):c.644A>T (p.Gln215Leu)

Gene: CEBPA (CCAAT enhancer binding protein alpha; minus strand). Cytogenetic location: 19q13.11.
Variant type: single nucleotide variant.
Coding change: c.644A>T on transcript NM_004364.5 (MANE Select); coding-DNA position 644, A replaced by T.
Protein change: p.Gln215Leu; replaces glutamine 215 with leucine.
Molecular consequence: missense variant.
Genome position (GRCh38, 1-based): chr19:33,301,771, T>A on the plus strand (A>T on the coding strand, the complement: CEBPA is on the minus strand). VCF-style: chr19-33301771-T-A. GRCh37 (hg19) VCF-style: chr19-33792677-T-A.
Other names: c.287A>T, p.Gln96Leu (NM_001285829.2); c.749A>T, p.Gln250Leu (NM_001287424.2); c.602A>T, p.Gln201Leu (NM_001287435.2); short protein forms Q201L, Q215L, Q250L, Q96L.
Identifiers: ClinVar variation 3831159 (VCV003831159.1).